The following is an entry in ClinVar:

ClinVar aggregate classification (germline): Conflicting classifications of pathogenicity. Review status: criteria provided, conflicting classifications (1 of 4 stars). 3 submissions from 3 submitters: Likely pathogenic (1); Uncertain significance (2). Last evaluated 2024-09-25.

Conditions:
Cardiovascular phenotype. Identifiers: MedGen CN230736.
Hereditary cancer-predisposing syndrome. Also called: Neoplastic Syndromes, Hereditary; Hereditary Cancer Syndrome; Tumor predisposition; Hereditary neoplastic syndrome. Identifiers: Orphanet 140162, MedGen C0027672, MeSH D009386, MONDO:0015356.

Submissions (3):

Ambry Genetics
Classification: Likely pathogenic for Cardiovascular phenotype; Hereditary cancer-predisposing syndrome. Last evaluated: 2024-09-25. Review status: criteria provided, single submitter. Criteria: Ambry Variant Classification Scheme 2023. Collection method: clinical testing. Allele origin: germline.
Comment: The c.7806+5G>C intronic variant results from a G to C substitution 5 nucleotides after coding exon 52 in the NF1 gene. This variant has been observed in at least one individual with a personal and/or family history that is consistent with Neurofibromatosis type 1 (Ambry internal data). This nucleotide position is well conserved in available vertebrate species. In silico splice site analysis predicts that this alteration will weaken the native splice donor site. RNA studies have demonstrated that this alteration results in abnormal splicing in the set of samples tested (Ambry internal data). Based on the majority of available evidence to date, this variant is likely to be pathogenic.

Athena Diagnostics
Classification: Uncertain significance. Last evaluated: 2020-04-17. Review status: criteria provided, single submitter. Criteria: Athena Diagnostics Criteria. Collection method: clinical testing. Allele origin: unknown.

GeneDx
Classification: Uncertain significance. Last evaluated: 2018-02-23. Review status: criteria provided, single submitter. Criteria: GeneDx Variant Classification (06012015). Collection method: clinical testing. Allele origin: germline. Affected: yes.
Comment: The c.7806+5G>C variant in the NF1 gene has not been published as a pathogenic variant, nor has it been reported as a benign variant to our knowledge. This variant is not observed in large population cohorts (Lek et al., 2016). Several in silico splice prediction models predict that c.7806+5G>C destroys the natural donor site of intron 52 and lead to abnormal gene splicing. However, in the absence of RNA/functional studies, the actual effect of this sequence change in this individual is unknown. Based on the currently available information, it is unclear whether this variant is a pathogenic variant or a rare benign variant. We consider it to be a variant of uncertain significance.

NM_001042492.3(NF1):c.7869+5G>C

Gene: NF1 (neurofibromin 1; plus strand). Cytogenetic location: 17q11.2.
Variant type: single nucleotide variant.
Coding change: c.7869+5G>C on transcript NM_001042492.3 (MANE Select); 5 bases into the intron after coding-DNA position 7869, G replaced by C.
Molecular consequence: intron variant.
Genome position (GRCh38, 1-based): chr17:31,357,095, G>C. VCF-style: chr17-31357095-G-C. GRCh37 (hg19) VCF-style: chr17-29684113-G-C.
Other names: c.7806+5G>C (NM_000267.4).
Identifiers: ClinVar variation 504404 (VCV000504404.7), dbSNP rs1555536725, ClinGen allele CA658798792.